The following is an entry in ClinVar:

NM_004369.4(COL6A3):c.3400C>T (p.Gln1134Ter)

Gene: COL6A3 (collagen type VI alpha 3 chain; minus strand). Cytogenetic location: 2q37.3.
Variant type: single nucleotide variant.
Coding change: c.3400C>T on transcript NM_004369.4 (MANE Select); coding-DNA position 3400, C replaced by T.
Protein change: p.Gln1134Ter; replaces glutamine 1134 with a stop codon.
Molecular consequence: nonsense.
Genome position (GRCh38, 1-based): chr2:237,374,691, G>A on the plus strand (C>T on the coding strand, the complement: COL6A3 is on the minus strand). VCF-style: chr2-237374691-G-A. GRCh37 (hg19) VCF-style: chr2-238283334-G-A.
Other names: c.2179C>T, p.Gln727Ter (NM_057164.5); c.2782C>T, p.Gln928Ter (NM_057165.5, NM_057167.4); c.1579C>T, p.Gln527Ter (NM_057166.5); short protein forms Q527*, Q1134*, Q727*, Q928*.
Identifiers: ClinVar variation 1459939 (VCV001459939.6), dbSNP rs2106361236, ClinGen allele CA351203144.

ClinVar aggregate classification (germline): Pathogenic (1 of 4 stars; one submission).

Conditions:
Bethlem myopathy 1A. Also called: Bethlem myopathy 1; Bethlem Muscular Dystrophy; MYOPATHY, BENIGN CONGENITAL, WITH CONTRACTURES. Identifiers: Orphanet 610, MedGen CN029274, MONDO:0024530, OMIM 158810.

Submission:

Labcorp Genetics (formerly Invitae), Labcorp
Classification: Pathogenic for Bethlem myopathy 1A. Last evaluated: 2021-04-24. Review status: criteria provided, single submitter. Criteria: Invitae Variant Classification Sherloc (09022015). Collection method: clinical testing. Allele origin: germline.
Comment: For these reasons, this variant has been classified as Pathogenic. This variant has not been reported in the literature in individuals with COL6A3-related conditions. This variant is not present in population databases (ExAC no frequency). This sequence change creates a premature translational stop signal (p.Gln1134*) in the COL6A3 gene. It is expected to result in an absent or disrupted protein product. Loss-of-function variants in COL6A3 are known to be pathogenic (PMID: 26004199).

Literature cited by the submitters: PubMed 26004199.